The following is an entry in ClinVar:

NM_000340.2(SLC2A2):c.*325T>A

Gene: SLC2A2 (solute carrier family 2 member 2; minus strand). Cytogenetic location: 3q26.2.
Variant type: single nucleotide variant.
Coding change: c.*325T>A on transcript NM_000340.2 (MANE Select); 325 bases downstream of the stop codon, T replaced by A.
Molecular consequence: 3 prime UTR variant.
Genome position (GRCh38, 1-based): chr3:170,997,578, A>T on the plus strand (T>A on the coding strand, the complement: SLC2A2 is on the minus strand). VCF-style: chr3-170997578-A-T. GRCh37 (hg19) VCF-style: chr3-170715367-A-T.
Other names: c.*325T>A (NM_001278658.2, NM_001278659.2).
Identifiers: ClinVar variation 900028 (VCV000900028.4), dbSNP rs189555280, ClinGen allele CA87704281.

ClinVar aggregate classification (germline): Benign (1 of 4 stars; one submission).

Conditions:
Fanconi-Bickel syndrome (FBS). Also called: Glycogen storage disease due to GLUT2 deficiency; FANCONI SYNDROME WITH INTESTINAL MALABSORPTION AND GALACTOSE INTOLERANCE; HEPATIC GLYCOGENOSIS WITH AMINO ACIDURIA AND GLUCOSURIA; HEPATIC GLYCOGENOSIS WITH FANCONI NEPHROPATHY; HEPATORENAL GLYCOGENOSIS WITH RENAL FANCONI SYNDROME; PSEUDO-PHLORIZIN DIABETES. Identifiers: Orphanet 2088, MedGen C3495427, MONDO:0009216, OMIM 227810.

Allele frequency attached by ClinVar (database versions not stated): gnomAD exomes 0.00082; 1000 Genomes Project 0.00779; gnomAD 0.00782 and 0.00832; TOPMed 0.00886.
gnomAD v4.1: 1,261 of 250,106 alleles (0.5%); highest among the groups gnomAD compares: African/African-American, 2.7%; 18 homozygotes.

Submission:

Illumina Laboratory Services, Illumina
Classification: Benign for Fanconi-Bickel syndrome. Last evaluated: 2017-04-27. Review status: criteria provided, single submitter. Criteria: ICSL Variant Classification Criteria 13 December 2019. Collection method: clinical testing. Allele origin: germline.
Comment: This variant was observed as part of a predisposition screen in an ostensibly healthy population. A literature search was performed for the gene, cDNA change, and amino acid change (where applicable). No publications were found based on this search. Allele frequency data from public databases was too high to be consistent with this variant causing disease. Therefore, this variant is classified as benign.